The following is an entry in ClinVar:

NM_181712.5(KANK4):c.1739A>G (p.His580Arg)

Gene: KANK4 (KN motif and ankyrin repeat domains 4; minus strand). Cytogenetic location: 1p31.3.
Variant type: single nucleotide variant.
Coding change: c.1739A>G on transcript NM_181712.5 (MANE Select); coding-DNA position 1739, A replaced by G.
Protein change: p.His580Arg; replaces histidine 580 with arginine.
Molecular consequence: missense variant. On other transcripts: intron variant (1).
Genome position (GRCh38, 1-based): chr1:62,273,365, T>C on the plus strand (A>G on the coding strand, the complement: KANK4 is on the minus strand). VCF-style: chr1-62273365-T-C. GRCh37 (hg19) VCF-style: chr1-62739037-T-C.
Other names: c.17-1776A>G (NM_001320269.2); short protein forms H580R.
Identifiers: ClinVar variation 1434733 (VCV001434733.8), dbSNP rs1167646918, ClinGen allele CA340608476.

ClinVar aggregate classification (germline): Uncertain significance (1 of 4 stars; one submission).

gnomAD v4.1: 14 of 1,607,868 alleles (0.00087%); highest among the groups gnomAD compares: Non-Finnish European, 0.0011%; no homozygotes.

Submission:

Labcorp Genetics (formerly Invitae), Labcorp
Classification: Uncertain significance. Last evaluated: 2024-02-17. Review status: criteria provided, single submitter. Criteria: Invitae Variant Classification Sherloc (09022015). Collection method: clinical testing. Allele origin: germline.
Comment: This sequence change replaces histidine, which is basic and polar, with arginine, which is basic and polar, at codon 580 of the KANK4 protein (p.His580Arg). This variant is not present in population databases (gnomAD no frequency). This variant has not been reported in the literature in individuals affected with KANK4-related conditions. ClinVar contains an entry for this variant (Variation ID: 1434733). An algorithm developed to predict the effect of missense changes on protein structure and function (PolyPhen-2) suggests that this variant is likely to be tolerated. In summary, the available evidence is currently insufficient to determine the role of this variant in disease. Therefore, it has been classified as a Variant of Uncertain Significance.